The following is an entry in ClinVar:

NM_006393.3(NEBL):c.2762-279del

Gene: NEBL (nebulette; minus strand). Cytogenetic location: 10p12.31.
Variant type: Deletion.
Coding change: c.2762-279del on transcript NM_006393.3 (MANE Select); 279 bases into the intron before coding-DNA position 2762, one base deleted (T; older notation c.2762-279delT).
Molecular consequence: intron variant.
Genome position (GRCh38, 1-based): chr10:20,787,587, A deleted on the plus strand (T on the coding strand, the reverse complement: NEBL is on the minus strand); the first of 5 consecutive A bases (chr10:20,787,587-20,787,591); deleting any one gives the same sequence. VCF-style (leftmost placement, unchanged base first): chr10-20787586-CA-C. GRCh37 (hg19) VCF-style: chr10-21076515-CA-C.
Other names: c.422-279del (NM_001377326.1, NM_001377327.1, NM_001377328.1); c.530-279del (NM_213569.2, NM_001173484.2); c.623-279del (NM_001377322.1); c.473-279del (NM_001377324.1); c.464-279del (NM_001377325.1); c.482-279del (NM_001377323.1).
Identifiers: ClinVar variation 669430 (VCV000669430.1), dbSNP rs3215820, ClinGen allele CA203253000.
Genomic context (GRCh38, chr10:20,787,586, plus strand): 5'-GTTAAATATGCTTTAAATATTCTTGTGGCTCTATTGCAGATGCTCAGTTAAAAACATAAA[CA>C]AAAATTTTTCATACTCCCTTAATGAAATCATGTTTTTATTCGACCATGTGATCCTTTTTG-3'

ClinVar aggregate classification (germline): Benign (1 of 4 stars; one submission).

Submission:

GeneDx
Classification: Benign. Last evaluated: 2018-06-14. Review status: criteria provided, single submitter. Criteria: GeneDx Variant Classification (06012015). Collection method: clinical testing. Allele origin: germline. Affected: yes.
Comment: This variant is considered likely benign or benign based on one or more of the following criteria: it is a conservative change, it occurs at a poorly conserved position in the protein, it is predicted to be benign by multiple in silico algorithms, and/or has population frequency not consistent with disease.